The following is an entry in ClinVar:

NM_001256317.3(TMPRSS3):c.1155C>T (p.Cys385=)

Gene: TMPRSS3 (transmembrane serine protease 3; minus strand). Cytogenetic location: 21q22.3.
Variant type: single nucleotide variant.
Coding change: c.1155C>T on transcript NM_001256317.3 (MANE Select); coding-DNA position 1155, C replaced by T.
Protein change: p.Cys385=; no amino-acid change (cysteine 385 retained).
Molecular consequence: synonymous variant.
Genome position (GRCh38, 1-based): chr21:42,376,577, G>A on the plus strand (C>T on the coding strand, the complement: TMPRSS3 is on the minus strand). VCF-style: chr21-42376577-G-A. GRCh37 (hg19) VCF-style: chr21-43796686-G-A.
Other names: c.1158C>T, p.Cys386= (NM_024022.4); c.777C>T, p.Cys259= (NM_032404.3).
Identifiers: ClinVar variation 517241 (VCV000517241.12), dbSNP rs746293388, ClinGen allele CA10042326.

ClinVar aggregate classification (germline): Likely benign. Review status: criteria provided, multiple submitters, no conflicts (2 of 4 stars). 2 submissions from 2 submitters: Likely benign (2). Last evaluated 2024-02-16.

Allele frequency attached by ClinVar (database versions not stated): TOPMed 0.00006; gnomAD 0.00008 and 0.00007; ExAC 0.00013; gnomAD exomes 0.00015.
gnomAD v4.1: 223 of 1,613,702 alleles (0.014%); highest among the groups gnomAD compares: Admixed American, 0.037%; no homozygotes.

Submissions (2):

Labcorp Genetics (formerly Invitae), Labcorp
Classification: Likely benign. Last evaluated: 2024-02-16. Review status: criteria provided, single submitter. Criteria: Invitae Variant Classification Sherloc (09022015). Collection method: clinical testing. Allele origin: germline.

Laboratory for Molecular Medicine, Mass General Brigham Personalized Medicine
Classification: Likely benign. Last evaluated: 2017-02-11. Review status: criteria provided, single submitter. Criteria: LMM Criteria. Collection method: clinical testing. Allele origin: germline. Observed: 2 variant alleles.
Comment: p.Cys386Cys in exon 11 of TMPRSS3: This variant is not expected to have clinical significance because it does not alter an amino acid residue and is not located within the splice consensus sequence. It has been identified in 11/66270 Europe an chromosomes and in 4/11552 Latino chromosomes by the Exome Aggregation Consor tium (ExAC; dbSNP rs746293388).